The following is an entry in ClinVar:

ClinVar aggregate classification (germline): Uncertain significance (1 of 4 stars; one submission).

Conditions:
Cardiovascular phenotype. Identifiers: MedGen CN230736.

Allele frequency attached by ClinVar (database versions not stated): gnomAD 0.00001; TOPMed 0.00002.
gnomAD v4.1: 3 of 1,490,924 alleles (0.0002%); highest among the groups gnomAD compares: African/African-American, 0.0028%; no homozygotes.

Submission:

Ambry Genetics
Classification: Uncertain significance for Cardiovascular phenotype. Last evaluated: 2025-10-27. Review status: criteria provided, single submitter. Criteria: Ambry Variant Classification Scheme 2023. Collection method: clinical testing. Allele origin: germline.
Comment: The p.R1022L variant (also known as c.3065G>T), located in coding exon 8 of the HCN4 gene, results from a G to T substitution at nucleotide position 3065. The arginine at codon 1022 is replaced by leucine, an amino acid with dissimilar properties. This amino acid position is conserved. In addition, the in silico prediction for this alteration is inconclusive. Since supporting evidence is limited at this time, the clinical significance of this alteration remains unclear.

NM_005477.3(HCN4):c.3065G>T (p.Arg1022Leu)

Gene: HCN4 (hyperpolarization activated cyclic nucleotide gated potassium channel 4; minus strand). Cytogenetic location: 15q24.1.
Variant type: single nucleotide variant.
Coding change: c.3065G>T on transcript NM_005477.3 (MANE Select); coding-DNA position 3065, G replaced by T.
Protein change: p.Arg1022Leu; replaces arginine 1022 with leucine.
Molecular consequence: missense variant.
Genome position (GRCh38, 1-based): chr15:73,323,028, C>A on the plus strand (G>T on the coding strand, the complement: HCN4 is on the minus strand). VCF-style: chr15-73323028-C-A. GRCh37 (hg19) VCF-style: chr15-73615369-C-A.
Other names: short protein forms R1022L.
Identifiers: ClinVar variation 2565008 (VCV002565008.3), dbSNP rs1205818947, ClinGen allele CA393086285.
Genomic context (GRCh38, chr15:73,323,028, plus strand): 5'-GGGGCACTCGGGAAGGTTCTTGGGGGGCCTGGGCTGTGGCCAGGGGGGCTGAGACCTCCT[C>A]GGGGAGTAAAGCCTACAGGGGAAGCCCCCCCAGAGGCCCCTGCCACAAGGGACGGCGGCT-3'
Protein context (NP_005468.1, residues 1012-1032): GGASPVGFTP[Arg1022Leu]GGLSPPGHSP